The following is an entry in ClinVar:

NM_012144.4(DNAI1):c.898C>T (p.Gln300Ter)

Gene: DNAI1 (dynein axonemal intermediate chain 1; plus strand). Cytogenetic location: 9p13.3.
Variant type: single nucleotide variant.
Coding change: c.898C>T on transcript NM_012144.4 (MANE Select); coding-DNA position 898, C replaced by T.
Protein change: p.Gln300Ter; replaces glutamine 300 with a stop codon.
Molecular consequence: nonsense.
Genome position (GRCh38, 1-based): chr9:34,497,196, C>T. VCF-style: chr9-34497196-C-T. GRCh37 (hg19) VCF-style: chr9-34497194-C-T.
Other names: c.910C>T, p.Gln304Ter (NM_001281428.2); short protein forms Q300*, Q304*.
Identifiers: ClinVar variation 5013259 (VCV005013259.1).

ClinVar aggregate classification (germline): Pathogenic (1 of 4 stars; one submission).

Conditions:
Kartagener syndrome (CILD1). Also called: CILIARY DYSKINESIA, PRIMARY, 1; CILIARY DYSKINESIA, PRIMARY, 1, WITH OR WITHOUT SITUS INVERSUS; IMMOTILE CILIA SYNDROME; POLYNESIAN BRONCHIECTASIS; Dextrocardia bronchiectasis and sinusitis; SIEWERT SYNDROME. Identifiers: Orphanet 244, MedGen C4551906, MONDO:0009484, OMIM 244400.

gnomAD v4.1: 1 of 1,612,928 alleles (0.000062%); highest among the groups gnomAD compares: South Asian, 0.0011%; no homozygotes.

Submission:

Myriad Genetics, Inc.
Classification: Pathogenic for Kartagener syndrome. Last evaluated: 2024-06-30. Review status: criteria provided, single submitter. Criteria: Myriad Autosomal Dominant, Autosomal Recessive and X-Linked Classification Criteria (2023). Collection method: clinical testing. Allele origin: unknown.
Comment: NM_012144.2(DNAI1):c.898C>T(Q300*) is expected to be pathogenic in the context of primary ciliary dyskinesia, DNAI1-related. This variant is predicted to lead to an abnormal or absent protein product due to the creation of a premature termination codon in DNAI1, a gene where loss-of-function variants are known to be pathogenic. Please note: this variant was assessed in the context of healthy population screening.